The following is an entry in ClinVar:

NM_001080467.3(MYO5B):c.3672C>T (p.Ala1224=)

Gene: MYO5B (myosin VB; minus strand). Cytogenetic location: 18q21.1.
Variant type: single nucleotide variant.
Coding change: c.3672C>T on transcript NM_001080467.3 (MANE Select); coding-DNA position 3672, C replaced by T.
Protein change: p.Ala1224=; no amino-acid change (alanine 1224 retained).
Molecular consequence: synonymous variant.
Genome position (GRCh38, 1-based): chr18:49,864,312, G>A on the plus strand (C>T on the coding strand, the complement: MYO5B is on the minus strand). VCF-style: chr18-49864312-G-A. GRCh37 (hg19) VCF-style: chr18-47390682-G-A.
Other names: c.3672C>T (NM_001080467.2).
Identifiers: ClinVar variation 1983939 (VCV001983939.6), dbSNP rs749740852, ClinGen allele CA8960623.

ClinVar aggregate classification (germline): Likely benign. Review status: criteria provided, single submitter (1 of 4 stars). 2 submissions from 2 submitters: Likely benign (1). 1 of the submissions does not count toward it. Last evaluated 2025-09-28.

Conditions:
MYO5B-related disorder. Also called: MYO5B-related condition.

Allele frequency attached by ClinVar (database versions not stated): gnomAD 0.00002.
gnomAD v4.1: 20 of 1,613,952 alleles (0.0012%); highest among the groups gnomAD compares: African/African-American, 0.011%; no homozygotes.

Submissions (2):

Labcorp Genetics (formerly Invitae), Labcorp
Classification: Likely benign. Last evaluated: 2025-09-28. Review status: criteria provided, single submitter. Criteria: Invitae Variant Classification Sherloc (09022015). Collection method: clinical testing. Allele origin: germline.

PreventionGenetics, part of Exact Sciences
Classification: Likely benign for MYO5B-related condition. Last evaluated: 2023-07-10. Review status: no assertion criteria provided. Collection method: clinical testing. Allele origin: germline. Not counted in ClinVar's aggregate classification.
Comment: This variant is classified as likely benign based on ACMG/AMP sequence variant interpretation guidelines (Richards et al. 2015 PMID: 25741868, with internal and published modifications).